The following is an entry in ClinVar:

NM_022552.5(DNMT3A):c.640-1416_640-1413delinsCAA

Gene: DNMT3A (DNA methyltransferase 3 alpha; minus strand). Cytogenetic location: 2p23.3.
Variant type: Indel.
Coding change: c.640-1416_640-1413delinsCAA on transcript NM_022552.5 (MANE Select); 1416 bases into the intron before coding-DNA position 640 through 1413 bases into the intron before coding-DNA position 640, GAGT replaced by CAA.
Molecular consequence: intron variant. On other transcripts: frameshift variant (1).
Genome position (GRCh38, 1-based): chr2:25,249,665-25,249,668, ACTC replaced by TTG on the plus strand (GAGT replaced by CAA on the coding strand, the reverse complement: DNMT3A is on the minus strand). VCF-style: chr2-25249665-ACTC-TTG. GRCh37 (hg19) VCF-style: chr2-25472534-ACTC-TTG.
Other names: c.61_64delinsCAA, p.Glu21fs (NM_153759.3); c.640-1416_640-1413delinsCAA (NM_175629.2); c.184-1416_184-1413delinsCAA (NM_001320893.1); c.-30-1416_-30-1413delinsCAA (NM_001375819.1); short protein forms E21fs.
Identifiers: ClinVar variation 5037619 (VCV005037619.1).

ClinVar aggregate classification (germline): Uncertain significance (1 of 4 stars; one submission).

Submission:

GeneDx
Classification: Uncertain significance. Last evaluated: 2026-04-23. Review status: criteria provided, single submitter. Criteria: GeneDx Variant Classification Process June 2021. Collection method: clinical testing. Allele origin: germline.
Comment: Frameshift variant predicted to result in protein truncation or nonsense mediated decay in a gene or region of a gene for which loss of function is not a well-established mechanism of disease; Not observed at significant frequency in large population cohorts (gnomAD); Has not been previously published as pathogenic or benign to our knowledge; Reported using an alternate transcript of the gene